The following is an entry in ClinVar:

NM_172107.4(KCNQ2):c.216C>T (p.Ala72=)

Gene: KCNQ2 (potassium voltage-gated channel subfamily Q member 2; minus strand). Cytogenetic location: 20q13.33.
Variant type: single nucleotide variant.
Coding change: c.216C>T on transcript NM_172107.4 (MANE Select); coding-DNA position 216, C replaced by T.
Protein change: p.Ala72=; no amino-acid change (alanine 72 retained).
Molecular consequence: synonymous variant.
Genome position (GRCh38, 1-based): chr20:63,472,248, G>A on the plus strand (C>T on the coding strand, the complement: KCNQ2 is on the minus strand). VCF-style: chr20-63472248-G-A. GRCh37 (hg19) VCF-style: chr20-62103601-G-A.
Other names: c.216C>T, p.Ala72= (NM_001382235.1, NM_004518.6, NM_172106.3 and 2 more transcripts).
Identifiers: ClinVar variation 3629658 (VCV003629658.1).

ClinVar aggregate classification (germline): Likely benign (1 of 4 stars; one submission).

Submission:

Women's Health and Genetics/Laboratory Corporation of America, LabCorp
Classification: Likely benign. Last evaluated: 2024-11-13. Review status: criteria provided, single submitter. Criteria: LabCorp Variant Classification Summary - May 2015. Collection method: clinical testing. Allele origin: germline.
Comment: Variant summary: KCNQ2 c.216C>T alters a non-conserved nucleotide resulting in a synonymous change. Consensus agreement among computation tools predict no significant impact on normal splicing. However, these predictions have yet to be confirmed by functional studies. The variant was absent in 137992 control chromosomes (gnomAD). The available data on variant occurrences in the general population are insufficient to allow any conclusion about variant significance. To our knowledge, no occurrence of c.216C>T in individuals affected with KCNQ2-Related Disorders and no experimental evidence demonstrating its impact on protein function have been reported. No submitters have cited clinical-significance assessments for this variant to ClinVar. Based on the evidence outlined above, the variant was classified as likely benign.